The following is an entry in ClinVar:

NM_001042492.3(NF1):c.7512_7514del (p.Ala2506del)

Gene: NF1 (neurofibromin 1; plus strand). Cytogenetic location: 17q11.2.
Variant type: Deletion.
Coding change: c.7512_7514del on transcript NM_001042492.3 (MANE Select); coding-DNA positions 7512 to 7514, 3 bases deleted (TGC; older notation c.7512_7514delTGC).
Protein change: p.Ala2506del; deletes alanine 2506.
Molecular consequence: inframe deletion. On other transcripts: inframe indel (1).
Genome position (GRCh38, 1-based): chr17:31,352,311-31,352,313, TGC deleted. VCF-style (leftmost placement, unchanged base first): chr17-31352310-TTGC-T. GRCh37 (hg19) VCF-style: chr17-29679328-TTGC-T.
Other names: c.7449_7451delTGC, p.Ala2485del (NM_000267.4); c.7449_7451delTGC (NM_000267.3); short protein forms A2485del, A2506del.
Identifiers: ClinVar variation 3878989 (VCV003878989.1).

ClinVar aggregate classification (germline): Uncertain significance (1 of 4 stars; one submission).

Conditions:
Cardiovascular phenotype. Identifiers: MedGen CN230736.
Hereditary cancer-predisposing syndrome. Also called: Tumor predisposition; Neoplastic Syndromes, Hereditary; Hereditary Cancer Syndrome; Hereditary neoplastic syndrome. Identifiers: Orphanet 140162, MedGen C0027672, MeSH D009386, MONDO:0015356.

Submission:

Ambry Genetics
Classification: Uncertain significance for Cardiovascular phenotype; Hereditary cancer-predisposing syndrome. Last evaluated: 2024-12-19. Review status: criteria provided, single submitter. Criteria: Ambry Variant Classification Scheme 2023. Collection method: clinical testing. Allele origin: germline.
Comment: The c.7449_7451delTGC variant (also known as p.A2485del) is located in coding exon 50 of the NF1 gene. This variant results from an in-frame TGC deletion at nucleotide positions 7449 to 7451. This results in the in-frame deletion of an alanine at codon 2485. This amino acid position is highly conserved in available vertebrate species. In addition, the in silico prediction for this alteration is inconclusive (Choi Y et al. PLoS ONE. 2012; 7(10):e46688). Since supporting evidence is limited at this time, the clinical significance of this alteration remains unclear.